The following is an entry in ClinVar:

ClinVar aggregate classification (germline): Likely benign (1 of 4 stars; one submission).

gnomAD v4.1: 1 of 1,614,210 alleles (0.000062%); highest among the groups gnomAD compares: Non-Finnish European, 0.000085%; no homozygotes.

Submission:

CeGaT Center for Human Genetics Tuebingen
Classification: Likely benign. Last evaluated: 2025-11-01. Review status: criteria provided, single submitter. Criteria: CeGaT Center For Human Genetics Tuebingen Variant Classification Criteria Version 2. Collection method: clinical testing. Allele origin: germline. Affected: yes. Observed: 1 variant allele.
Comment: RPGRIP1L: BP4, BP7

NM_015272.5(RPGRIP1L):c.2478T>C (p.Asp826=)

Gene: RPGRIP1L (RPGRIP1 like; minus strand). Cytogenetic location: 16q12.2.
Variant type: single nucleotide variant.
Coding change: c.2478T>C on transcript NM_015272.5 (MANE Select); coding-DNA position 2478, T replaced by C.
Protein change: p.Asp826=; no amino-acid change (aspartic acid 826 retained).
Molecular consequence: synonymous variant.
Genome position (GRCh38, 1-based): chr16:53,645,830, A>G on the plus strand (T>C on the coding strand, the complement: RPGRIP1L is on the minus strand). VCF-style: chr16-53645830-A-G. GRCh37 (hg19) VCF-style: chr16-53679742-A-G.
Other names: c.2478T>C, p.Asp826= (NM_001127897.4, NM_001308334.3, NM_001330538.2).
Identifiers: ClinVar variation 4535182 (VCV004535182.6).